The following is an entry in ClinVar:

NM_001170629.2(CHD8):c.3772A>G (p.Ile1258Val)

Gene: CHD8 (chromodomain helicase DNA binding protein 8; minus strand). Cytogenetic location: 14q11.2.
Variant type: single nucleotide variant.
Coding change: c.3772A>G on transcript NM_001170629.2 (MANE Select); coding-DNA position 3772, A replaced by G.
Protein change: p.Ile1258Val; replaces isoleucine 1258 with valine.
Molecular consequence: missense variant.
Genome position (GRCh38, 1-based): chr14:21,402,446, T>C on the plus strand (A>G on the coding strand, the complement: CHD8 is on the minus strand). VCF-style: chr14-21402446-T-C. GRCh37 (hg19) VCF-style: chr14-21870605-T-C.
Other names: c.2935A>G, p.Ile979Val (NM_020920.4); short protein forms I1258V, I979V.
Identifiers: ClinVar variation 3764142 (VCV003764142.3).

ClinVar aggregate classification (germline): Uncertain significance. Review status: criteria provided, multiple submitters, no conflicts (2 of 4 stars). 2 submissions from 2 submitters: Uncertain significance (2). Last evaluated 2025-06-11.

Submissions (2):

Dasa
Classification: Uncertain significance. Last evaluated: 2025-06-11. Review status: criteria provided, single submitter. Criteria: DASA Assertion Criteria. Collection method: clinical testing. Allele origin: germline.
Comment: NM_001170629.2(CHD8):c.3772A>G (p.Ile1258Val) is a missense variant that results in the substitution of isoleucine with valine. This variant is absent from population databases. The currently available literature and clinical evidence are not sufficient to establish a definitive association between this variant and the reported condition. Therefore, this variant is classified as a variant of uncertain significance.

GeneDx
Classification: Uncertain significance. Last evaluated: 2024-08-23. Review status: criteria provided, single submitter. Criteria: GeneDx Variant Classification Process June 2021. Collection method: clinical testing. Allele origin: germline. Affected: yes.
Comment: Not observed at significant frequency in large population cohorts (gnomAD); In silico analysis indicates that this missense variant does not alter protein structure/function; Has not been previously published as pathogenic or benign to our knowledge